The following is an entry in ClinVar:

ClinVar aggregate classification (germline): Uncertain significance (1 of 4 stars; one submission).

Conditions:
Familial cold autoinflammatory syndrome 3 (FCAS3). Also called: FAMILIAL ATYPICAL COLD URTICARIA; ANTIBODY DEFICIENCY AND IMMUNE DYSREGULATION, PLCG2-ASSOCIATED. Identifiers: Orphanet 300359, MedGen C3280914, MONDO:0013766, OMIM 614468.

Allele frequency attached by ClinVar (database versions not stated): gnomAD exomes below 0.00001; ExAC 0.00001.
gnomAD v4.1: 2 of 1,614,146 alleles (0.00012%); highest among the groups gnomAD compares: Non-Finnish European, 0.00017%; no homozygotes.

Submission:

Labcorp Genetics (formerly Invitae), Labcorp
Classification: Uncertain significance for Familial cold autoinflammatory syndrome 3. Last evaluated: 2024-02-06. Review status: criteria provided, single submitter. Criteria: Invitae Variant Classification Sherloc (09022015). Collection method: clinical testing. Allele origin: germline.
Comment: This sequence change replaces glycine, which is neutral and non-polar, with aspartic acid, which is acidic and polar, at codon 594 of the PLCG2 protein (p.Gly594Asp). This variant is present in population databases (rs765485488, gnomAD 0.0009%). This variant has not been reported in the literature in individuals affected with PLCG2-related conditions. ClinVar contains an entry for this variant (Variation ID: 2143451). An algorithm developed to predict the effect of missense changes on protein structure and function (PolyPhen-2) suggests that this variant is likely to be disruptive. In summary, the available evidence is currently insufficient to determine the role of this variant in disease. Therefore, it has been classified as a Variant of Uncertain Significance.

NM_002661.5(PLCG2):c.1781G>A (p.Gly594Asp)

Gene: PLCG2 (phospholipase C gamma 2; plus strand). Cytogenetic location: 16q23.3.
Variant type: single nucleotide variant.
Coding change: c.1781G>A on transcript NM_002661.5 (MANE Select); coding-DNA position 1781, G replaced by A.
Protein change: p.Gly594Asp; replaces glycine 594 with aspartic acid.
Molecular consequence: missense variant.
Genome position (GRCh38, 1-based): chr16:81,910,567, G>A. VCF-style: chr16-81910567-G-A. GRCh37 (hg19) VCF-style: chr16-81944172-G-A.
Other names: short protein forms G594D.
Identifiers: ClinVar variation 2143451 (VCV002143451.4), dbSNP rs765485488, ClinGen allele CA8193938.